The following is an entry in ClinVar:

NM_001330260.2(SCN8A):c.2073C>T (p.Tyr691=)

Gene: SCN8A (sodium voltage-gated channel alpha subunit 8; plus strand). Cytogenetic location: 12q13.13.
Variant type: single nucleotide variant.
Coding change: c.2073C>T on transcript NM_001330260.2 (MANE Select); coding-DNA position 2073, C replaced by T.
Protein change: p.Tyr691=; no amino-acid change (tyrosine 691 retained).
Molecular consequence: synonymous variant.
Genome position (GRCh38, 1-based): chr12:51,745,977, C>T. VCF-style: chr12-51745977-C-T. GRCh37 (hg19) VCF-style: chr12-52139761-C-T.
Other names: c.2073C>T, p.Tyr691= (NM_001177984.3, NM_001369788.1, NM_014191.4).
Identifiers: ClinVar variation 194248 (VCV000194248.28), dbSNP rs146982102, ClinGen allele CA240121.

ClinVar aggregate classification (germline): Conflicting classifications of pathogenicity. Review status: criteria provided, conflicting classifications (1 of 4 stars). 5 submissions from 5 submitters: Uncertain significance (1); Benign (1); Likely benign (3). Last evaluated 2025-12-22.

Conditions:
Early-infantile DEE. Also called: Ohtahara syndrome; Early infantile epileptic encephalopathy with suppression bursts; Early infantile epileptic encephalopathy. Identifiers: Orphanet 1934, MedGen C0393706, MONDO:0800491.
Inborn genetic diseases. Identifiers: MedGen C0950123, MeSH D030342.

Allele frequency attached by ClinVar (database versions not stated): gnomAD 0.00002 and 0.00003; gnomAD exomes 0.00003 and 0.00004; TOPMed 0.00003; ExAC 0.00005; ESP Exome Variant Server 0.00008.
gnomAD v4.1: 45 of 1,611,216 alleles (0.0028%); highest among the groups gnomAD compares: Middle Eastern, 0.033%; no homozygotes.

Submissions (5):

Labcorp Genetics (formerly Invitae), Labcorp
Classification: Likely benign for Early-infantile DEE. Last evaluated: 2025-12-22. Review status: criteria provided, single submitter. Criteria: Invitae Variant Classification Sherloc (09022015). Collection method: clinical testing. Allele origin: germline.

CeGaT Center for Human Genetics Tuebingen
Classification: Likely benign. Last evaluated: 2025-10-01. Review status: criteria provided, single submitter. Criteria: CeGaT Center For Human Genetics Tuebingen Variant Classification Criteria Version 2. Collection method: clinical testing. Allele origin: germline. Affected: yes. Observed: 1 variant allele.
Comment: SCN8A: BP4, BP7

GeneDx
Classification: Benign. Last evaluated: 2019-08-22. Review status: criteria provided, single submitter. Criteria: GeneDx Variant Classification Process June 2021. Collection method: clinical testing. Allele origin: germline. Affected: yes.

Ambry Genetics
Classification: Likely benign for Inborn genetic diseases. Last evaluated: 2016-12-28. Review status: criteria provided, single submitter. Criteria: Ambry Variant Classification Scheme 2023. Collection method: clinical testing. Allele origin: germline.

Eurofins Ntd Llc (ga)
Classification: Uncertain significance. Last evaluated: 2015-05-04. Review status: criteria provided, single submitter. Criteria: EGL Classification Definitions 2015. Collection method: clinical testing. Allele origin: germline. Observed: 1 variant allele, 1 heterozygote.